The following is an entry in ClinVar:

NM_014679.5(CEP57):c.31G>C (p.Gly11Arg)

Genes: CEP57 (centrosomal protein 57; plus strand), LOC130006618 (ATAC-STARR-seq lymphoblastoid active region 5417; plus strand). Cytogenetic location: 11q21.
Variant type: single nucleotide variant.
Coding change: c.31G>C on transcript NM_014679.5 (MANE Select); coding-DNA position 31, G replaced by C.
Protein change: p.Gly11Arg; replaces glycine 11 with arginine.
Molecular consequence: missense variant. On other transcripts: 5 prime UTR variant (2).
Genome position (GRCh38, 1-based): chr11:95,790,729, G>C. VCF-style: chr11-95790729-G-C. GRCh37 (hg19) VCF-style: chr11-95523893-G-C.
Other names: c.-41G>C (NM_001243776.2); c.31G>C, p.Gly11Arg (NM_001243777.2); c.-364G>C (NM_001363604.2); short protein forms G11R.
Identifiers: ClinVar variation 971868 (VCV000971868.11), dbSNP rs755854165, ClinGen allele CA6239303.

ClinVar aggregate classification (germline): Uncertain significance. Review status: criteria provided, multiple submitters, no conflicts (2 of 4 stars). 2 submissions from 2 submitters: Uncertain significance (2). Last evaluated 2024-11-25.

Conditions:
Mosaic variegated aneuploidy syndrome 2 (MVA2). Identifiers: Orphanet 1052, MedGen C3279843, MONDO:0013582, OMIM 614114.
Inborn genetic diseases. Identifiers: MedGen C0950123, MeSH D030342.

Allele frequency attached by ClinVar (database versions not stated): gnomAD 0.00001; gnomAD exomes 0.00002 and 0.00004; TOPMed 0.00002; ExAC 0.00004.
gnomAD v4.1: 11 of 1,613,936 alleles (0.00068%); highest among the groups gnomAD compares: Admixed American, 0.018%; no homozygotes.

Submissions (2):

Ambry Genetics
Classification: Uncertain significance for Inborn genetic diseases. Last evaluated: 2024-11-25. Review status: criteria provided, single submitter. Criteria: Ambry Variant Classification Scheme 2023. Collection method: clinical testing. Allele origin: germline.
Comment: The p.G11R variant (also known as c.31G>C), located in coding exon 1 of the CEP57 gene, results from a G to C substitution at nucleotide position 31. The glycine at codon 11 is replaced by arginine, an amino acid with dissimilar properties. This amino acid position is conserved. In addition, this alteration is predicted to be tolerated by in silico analysis. Based on the available evidence, the clinical significance of this variant remains unclear.

Labcorp Genetics (formerly Invitae), Labcorp
Classification: Uncertain significance for Mosaic variegated aneuploidy syndrome 2. Last evaluated: 2024-05-23. Review status: criteria provided, single submitter. Criteria: Invitae Variant Classification Sherloc (09022015). Collection method: clinical testing. Allele origin: germline.
Comment: This sequence change replaces glycine, which is neutral and non-polar, with arginine, which is basic and polar, at codon 11 of the CEP57 protein (p.Gly11Arg). This variant is present in population databases (rs755854165, gnomAD 0.03%). This variant has not been reported in the literature in individuals affected with CEP57-related conditions. ClinVar contains an entry for this variant (Variation ID: 971868). Experimental studies and prediction algorithms are not available or were not evaluated, and the functional significance of this variant is currently unknown. In summary, the available evidence is currently insufficient to determine the role of this variant in disease. Therefore, it has been classified as a Variant of Uncertain Significance.